The following is an entry in ClinVar:

NM_201525.4(ADGRG1):c.1270G>A (p.Ala424Thr)

Gene: ADGRG1 (adhesion G protein-coupled receptor G1; plus strand). Cytogenetic location: 16q21.
Variant type: single nucleotide variant.
Coding change: c.1270G>A on transcript NM_201525.4 (MANE Select); coding-DNA position 1270, G replaced by A.
Protein change: p.Ala424Thr; replaces alanine 424 with threonine.
Molecular consequence: missense variant.
Genome position (GRCh38, 1-based): chr16:57,657,475, G>A. VCF-style: chr16-57657475-G-A. GRCh37 (hg19) VCF-style: chr16-57691387-G-A.
Other names: c.1270G>A, p.Ala424Thr (NM_001145770.3, NM_001145771.3, NM_001145772.3 and 14 more transcripts); c.1285G>A, p.Ala429Thr (NM_001145773.3, NM_001370433.1); c.760G>A, p.Ala254Thr (NM_001290142.2); c.745G>A, p.Ala249Thr (NM_001290143.2, NM_001290144.2, NM_001370451.1 and 2 more transcripts); c.1267G>A, p.Ala423Thr (NM_001370434.1, NM_001370441.1); c.1114G>A, p.Ala372Thr (NM_001370442.1); short protein forms A249T, A423T, A424T, A429T, A254T, A372T.
Identifiers: ClinVar variation 725812 (VCV000725812.18), dbSNP rs147479620, ClinGen allele CA8078699.
Genomic context (GRCh38, chr16:57,657,475, plus strand): 5'-AGCCTCCTCTCCTACGTGGGCTGTGTCGTCTCTGCCCTGGCCTGCCTTGTCACCATTGCC[G>A]CCTACCTCTGCTCCAGGTGAGGCCTGAAAGGGGTGGGACAGGGGAGGGGACCCTCCATTG-3'
Protein context (NP_958933.1, residues 414-434): SALACLVTIA[Ala424Thr]YLCSRRKPRD

ClinVar aggregate classification (germline): Conflicting classifications of pathogenicity. Review status: criteria provided, conflicting classifications (1 of 4 stars). 5 submissions from 5 submitters: Uncertain significance (1); Likely benign (2). 2 of the submissions do not count toward it. Last evaluated 2025-12-17.

Conditions:
ADGRG1-related disorder. Also called: ADGRG1-related condition.
Bilateral frontoparietal polymicrogyria. Also called: CORTICAL DYSPLASIA, COMPLEX, WITH OTHER BRAIN MALFORMATIONS 14A (BILATERAL FRONTOPARIETAL); CEREBELLAR ATAXIA WITH NEURONAL MIGRATION DEFECT. Identifiers: Orphanet 101070, MedGen C1847352, MONDO:0011738, OMIM 606854.

Allele frequency attached by ClinVar (database versions not stated): gnomAD 0.00035 and 0.00037; TOPMed 0.00035; 1000 Genomes Project 0.00040; 1000 Genomes Project 30x 0.00047; gnomAD exomes 0.00056 and 0.00060; ExAC 0.00058; ESP Exome Variant Server 0.00069.
gnomAD v4.1: 935 of 1,612,948 alleles (0.058%); highest among the groups gnomAD compares: Non-Finnish European, 0.059%; 2 homozygotes.

Submissions (5):

Labcorp Genetics (formerly Invitae), Labcorp
Classification: Likely benign. Last evaluated: 2025-12-17. Review status: criteria provided, single submitter. Criteria: Invitae Variant Classification Sherloc (09022015). Collection method: clinical testing. Allele origin: germline.

Laboratory of Genetics, Children's Clinical University Hospital Latvia
Classification: Likely benign. Last evaluated: 2025-02-16. Review status: criteria provided, single submitter. Criteria: ACMG Guidelines, 2015. Collection method: clinical testing. Allele origin: germline. Affected: yes.

Illumina Laboratory Services, Illumina
Classification: Uncertain significance for Bilateral frontoparietal polymicrogyria. Last evaluated: 2018-01-12. Review status: criteria provided, single submitter. Criteria: ICSL Variant Classification Criteria 13 December 2019. Collection method: clinical testing. Allele origin: germline.

Natera, Inc.
Classification: Uncertain significance for Bilateral frontoparietal polymicrogyria. Last evaluated: 2020-01-17. Review status: no assertion criteria provided. Collection method: clinical testing. Allele origin: germline. Not counted in ClinVar's aggregate classification.

PreventionGenetics, part of Exact Sciences
Classification: Likely benign for ADGRG1-related condition. Last evaluated: 2019-09-23. Review status: no assertion criteria provided. Collection method: clinical testing. Allele origin: germline. Not counted in ClinVar's aggregate classification.
Comment: This variant is classified as likely benign based on ACMG/AMP sequence variant interpretation guidelines (Richards et al. 2015 PMID: 25741868, with internal and published modifications).